The following is an entry in ClinVar:

ClinVar aggregate classification (germline): Uncertain significance. Review status: criteria provided, multiple submitters, no conflicts (2 of 4 stars). 4 submissions from 4 submitters: Uncertain significance (4). Last evaluated 2025-11-22.

Conditions:
COL11A2-related disorder. Also called: COL11A2-related disorders; COL11A2-related condition.

Allele frequency attached by ClinVar (database versions not stated): gnomAD 0.00001; gnomAD exomes 0.00002 and 0.00004; TOPMed 0.00002; ExAC 0.00004.
gnomAD v4.1: 55 of 1,609,582 alleles (0.0034%); highest among the groups gnomAD compares: Non-Finnish European, 0.0042%; no homozygotes.

Submissions (4):

Labcorp Genetics (formerly Invitae), Labcorp
Classification: Uncertain significance. Last evaluated: 2025-11-22. Review status: criteria provided, single submitter. Criteria: Invitae Variant Classification Sherloc (09022015). Collection method: clinical testing. Allele origin: germline.
Comment: This sequence change replaces arginine, which is basic and polar, with glutamine, which is neutral and polar, at codon 1284 of the COL11A2 protein (p.Arg1284Gln). This variant is present in population databases (rs773296454, gnomAD 0.004%). This variant has not been reported in the literature in individuals affected with COL11A2-related conditions. ClinVar contains an entry for this variant (Variation ID: 1446068). Experimental studies and prediction algorithms are not available or were not evaluated, and the functional significance of this variant is currently unknown. In summary, the available evidence is currently insufficient to determine the role of this variant in disease. Therefore, it has been classified as a Variant of Uncertain Significance.

Dasa
Classification: Uncertain significance. Last evaluated: 2025-07-12. Review status: criteria provided, single submitter. Criteria: DASA Assertion Criteria. Collection method: clinical testing. Allele origin: germline.
Comment: NM_080680.3(COL11A2):c.3851G>A (p.Arg1284Gln) is a missense variant that results in the substitution of arginine with glutamine. This variant is rare in population databases. The currently available literature and clinical evidence are not sufficient to establish a definitive association between this variant and the reported condition. Therefore, this variant is classified as a variant of uncertain significance.

PreventionGenetics, part of Exact Sciences
Classification: Uncertain significance for COL11A2-related condition. Last evaluated: 2025-04-22. Review status: criteria provided, single submitter. Criteria: ACMG Guidelines, 2015. Collection method: clinical testing. Allele origin: germline.
Comment: The COL11A2 c.3851G>A variant is predicted to result in the amino acid substitution p.Arg1284Gln. This variant has been reported in an individual with congenital heart defect (Table S2, Qiao et al. 2021. PubMed ID: 33142350). This variant is present in 0.0037% of alleles in individuals of European (Non-Finnish) descent in gnomAD. At this time, the clinical significance of this variant is uncertain due to the absence of conclusive functional and genetic evidence.

GeneDx
Classification: Uncertain significance. Last evaluated: 2025-03-04. Review status: criteria provided, single submitter. Criteria: GeneDx Variant Classification Process June 2021. Collection method: clinical testing. Allele origin: germline. Affected: yes.
Comment: Observed in a fetus with a congenital heart defect in published literature (PMID: 33142350); Not observed at significant frequency in large population cohorts (gnomAD); In silico analysis indicates that this missense variant does not alter protein structure/function; This variant is associated with the following publications: (PMID: 33142350)

NM_080680.3(COL11A2):c.3851G>A (p.Arg1284Gln)

Gene: COL11A2 (collagen type XI alpha 2 chain; minus strand). Cytogenetic location: 6p21.32.
Variant type: single nucleotide variant.
Coding change: c.3851G>A on transcript NM_080680.3 (MANE Select); coding-DNA position 3851, G replaced by A.
Protein change: p.Arg1284Gln; replaces arginine 1284 with glutamine.
Molecular consequence: missense variant.
Genome position (GRCh38, 1-based): chr6:33,168,956, C>T on the plus strand (G>A on the coding strand, the complement: COL11A2 is on the minus strand). VCF-style: chr6-33168956-C-T. GRCh37 (hg19) VCF-style: chr6-33136733-C-T.
Other names: c.3530G>A, p.Arg1177Gln (NM_080679.3); c.3593G>A, p.Arg1198Gln (NM_080681.3); c.3851G>A (NM_080680.2); short protein forms R1177Q, R1198Q, R1284Q.
Identifiers: ClinVar variation 1446068 (VCV001446068.9), dbSNP rs773296454, ClinGen allele CA3750354.